The following is an entry in ClinVar:

ClinVar aggregate classification (germline): Uncertain significance (1 of 4 stars; one submission).

Submission:

GeneDx
Classification: Uncertain significance. Last evaluated: 2025-06-04. Review status: criteria provided, single submitter. Criteria: GeneDx Variant Classification Process June 2021. Collection method: clinical testing. Allele origin: germline. Affected: yes.
Comment: Not observed at significant frequency in large population cohorts (gnomAD); In silico analysis supports that this missense variant has a deleterious effect on protein structure/function; Has not been previously published as pathogenic or benign to our knowledge

NM_205861.3(DHDDS):c.391C>T (p.Leu131Phe)

Gene: DHDDS (dehydrodolichyl diphosphate synthase subunit; plus strand). Cytogenetic location: 1p36.11.
Variant type: single nucleotide variant.
Coding change: c.391C>T on transcript NM_205861.3 (MANE Select); coding-DNA position 391, C replaced by T.
Protein change: p.Leu131Phe; replaces leucine 131 with phenylalanine.
Molecular consequence: missense variant. On other transcripts: intron variant (1).
Genome position (GRCh38, 1-based): chr1:26,446,383, C>T. VCF-style: chr1-26446383-C-T. GRCh37 (hg19) VCF-style: chr1-26772874-C-T.
Other names: c.391C>T, p.Leu131Phe (NM_001243564.2, NM_024887.4); c.112C>T, p.Leu38Phe (NM_001319959.2); c.324-1176C>T (NM_001243565.2); short protein forms L131F, L38F.
Identifiers: ClinVar variation 4536297 (VCV004536297.1).